The following is an entry in ClinVar:

NM_014921.5(ADGRL1):c.2281_2282del (p.Gln761fs)

Genes: ADGRL1 (adhesion G protein-coupled receptor L1; minus strand), ADGRL1-AS1 (ADGRL1 antisense RNA 1; plus strand). Cytogenetic location: 19p13.12.
Variant type: Microsatellite.
Coding change: c.2281_2282del on transcript NM_014921.5 (MANE Select); coding-DNA positions 2281 to 2282, 2 bases deleted (CA; older notation c.2281_2282delCA).
Protein change: p.Gln761fs; shifts the reading frame from glutamine 761.
Molecular consequence: frameshift variant.
Genome position (GRCh38, 1-based): chr19:14,158,420-14,158,421, TG deleted on the plus strand (CA on the coding strand, the reverse complement: ADGRL1 is on the minus strand); deleting any 2 consecutive bases within chr19:14,158,420-14,158,423 gives the same sequence; the c. name uses the placement nearest the transcript's 3' end. VCF-style (leftmost placement, unchanged base first): chr19-14158419-CTG-C. GRCh37 (hg19) VCF-style: chr19-14269231-CTG-C.
Other names: c.2296_2297del, p.Gln766fs (NM_001008701.3); short protein forms Q761fs, Q766fs.
Identifiers: ClinVar variation 4888147 (VCV004888147.1).
Genomic context (GRCh38, chr19:14,158,419, plus strand): 5'-GATGACAGGGTCCATGAGGAAGACGCGGCTGGACTCCTTGTTGATGGATGCTGCGATGAC[CTG>C]TGAGTTCACCACTAGAGAGGCGCCCCCAGGGCCACCCGGGCCTGCTTCGCCGGCCAGCTT-3'

ClinVar aggregate classification (germline): Uncertain significance (1 of 4 stars; one submission).

Submission:

GeneDx
Classification: Uncertain significance. Last evaluated: 2022-06-09. Review status: criteria provided, single submitter. Criteria: GeneDx Variant Classification Process June 2021. Collection method: clinical testing. Allele origin: germline.
Comment: Frameshift variant predicted to result in protein truncation or nonsense mediated decay in a gene or region of a gene for which loss of function is not a well-established mechanism of disease; Has not been previously published as pathogenic or benign to our knowledge; Variants in candidate genes are classified as variants of uncertain significance in accordance with ACMG guidelines (Richards et al., 2015)